The following is an entry in ClinVar:

ClinVar aggregate classification (germline): Uncertain significance (1 of 4 stars; one submission).

Submission:

GeneDx
Classification: Uncertain significance. Last evaluated: 2025-02-07. Review status: criteria provided, single submitter. Criteria: GeneDx Variant Classification Process June 2021. Collection method: clinical testing. Allele origin: germline. Affected: yes.
Comment: Not observed at significant frequency in large population cohorts (gnomAD); In silico analysis supports that this missense variant has a deleterious effect on protein structure/function; Has not been previously published as pathogenic or benign to our knowledge

NM_012154.5(AGO2):c.143A>G (p.Asp48Gly)

Gene: AGO2 (argonaute RISC catalytic component 2; minus strand). Cytogenetic location: 8q24.3.
Variant type: single nucleotide variant.
Coding change: c.143A>G on transcript NM_012154.5 (MANE Select); coding-DNA position 143, A replaced by G.
Protein change: p.Asp48Gly; replaces aspartic acid 48 with glycine.
Molecular consequence: missense variant.
Genome position (GRCh38, 1-based): chr8:140,585,191, T>C on the plus strand (A>G on the coding strand, the complement: AGO2 is on the minus strand). VCF-style: chr8-140585191-T-C. GRCh37 (hg19) VCF-style: chr8-141595290-T-C.
Other names: c.143A>G, p.Asp48Gly (NM_001164623.3); short protein forms D48G.
Identifiers: ClinVar variation 4076665 (VCV004076665.1).
Genomic context (GRCh38, chr8:140,585,191, plus strand): 5'-CTCGGGCACTTCTCTGGCTTGATATCCAATTCATAATGATAGATGTCAATTTTGGGGATG[T>C]CCATTTCGAAGAAATTGGCCTGTAATTTGATTGTTCTCCCGGAGGTCCCAAAGTCGGGTC-3'
Protein context (NP_036286.2, residues 38-58): IKLQANFFEM[Asp48Gly]IPKIDIYHYE